The following is an entry in ClinVar:

ClinVar aggregate classification (germline): Likely pathogenic (1 of 4 stars; one submission).

Conditions:
Glycogen storage disease, type II (IOPD). Also called: Pompe Disease; CARDIOMEGALIA GLYCOGENICA DIFFUSA; GLYCOGENOSIS, GENERALIZED, CARDIAC FORM; GSD II; POMPE DISEASE, INFANTILE-ONSET; GLYCOGEN STORAGE DISEASE II, INFANTILE-ONSET. Identifiers: Orphanet 365, MedGen C0017921, MONDO:0009290, OMIM 232300.

Submission:

Genomenon, Inc
Classification: Likely pathogenic for Glycogen storage disease, type II. Last evaluated: 2026-07-01. Review status: criteria provided, single submitter. Criteria: Genomenon Sequence Variant Interpretation Standards - Updated. Collection method: curation. Allele origin: germline. Affected: yes.
Comment: GAA p.Tyr575Ser (c.1724A>C) is a missense variant that changes the amino acid at codon 575 from Tyrosine to Serine. This variant has been observed in at least one proband with a GAA-related disorder in the compound heterozygous and/or homozygous state (PMID:31342611;14695532;17210890). At least one functional study has demonstrated a substantial alteration in protein function relative to the wild-type (PMID:14695532;19862843). It is absent or not present at a significant frequency in gnomAD. In silico models predict that this variant is possibly or probably damaging. In conclusion, we classify GAA p.Tyr575Ser (c.1724A>C) as a likely pathogenic variant.

Literature cited by the submitters: PubMed 31342611; PubMed 14695532; PubMed 17210890; PubMed 19862843.

NM_000152.5(GAA):c.1724A>C (p.Tyr575Ser)

Gene: GAA (alpha glucosidase; plus strand). Cytogenetic location: 17q25.3.
Variant type: single nucleotide variant.
Coding change: c.1724A>C on transcript NM_000152.5 (MANE Select); coding-DNA position 1724, A replaced by C.
Protein change: p.Tyr575Ser; replaces tyrosine 575 with serine.
Molecular consequence: missense variant.
Genome position (GRCh38, 1-based): chr17:80,112,070, A>C. VCF-style: chr17-80112070-A-C. GRCh37 (hg19) VCF-style: chr17-78085869-A-C.
Other names: c.1724A>C, p.Tyr575Ser (NM_001079803.3, NM_001079804.3, NM_001406741.1 and 1 more transcripts); short protein forms Y575S.
Identifiers: ClinVar variation 4876340 (VCV004876340.1).